The following is an entry in ClinVar:

ClinVar aggregate classification (germline): Likely pathogenic (1 of 4 stars; one submission).

Submission:

Labcorp Genetics (formerly Invitae), Labcorp
Classification: Likely pathogenic. Last evaluated: 2022-07-21. Review status: criteria provided, single submitter. Criteria: Invitae Variant Classification Sherloc (09022015). Collection method: clinical testing. Allele origin: germline.
Comment: Algorithms developed to predict the effect of sequence changes on RNA splicing suggest that this variant may disrupt the consensus splice site. This variant has not been reported in the literature in individuals affected with CLCN7-related conditions. This variant is not present in population databases (gnomAD no frequency). This sequence change affects an acceptor splice site in intron 7 of the CLCN7 gene. It is expected to disrupt RNA splicing. Variants that disrupt the donor or acceptor splice site typically lead to a loss of protein function (PMID: 16199547), and loss-of-function variants in CLCN7 are known to be pathogenic (PMID: 14584882, 19953639). In summary, the currently available evidence indicates that the variant is pathogenic, but additional data are needed to prove that conclusively. Therefore, this variant has been classified as Likely Pathogenic.

Literature cited by the submitters: PubMed 16199547; PubMed 14584882; PubMed 19953639.

NM_001287.6(CLCN7):c.676-1G>A

Gene: CLCN7 (chloride voltage-gated channel 7; minus strand). Cytogenetic location: 16p13.3.
Variant type: single nucleotide variant.
Coding change: c.676-1G>A on transcript NM_001287.6 (MANE Select); the canonical splice acceptor site of the intron before coding-DNA position 676, G replaced by A.
Molecular consequence: splice acceptor variant.
Genome position (GRCh38, 1-based): chr16:1,457,757, C>T on the plus strand (G>A on the coding strand, the complement: CLCN7 is on the minus strand). VCF-style: chr16-1457757-C-T. GRCh37 (hg19) VCF-style: chr16-1507758-C-T.
Other names: c.604-1G>A (NM_001114331.3).
Identifiers: ClinVar variation 2018354 (VCV002018354.4), dbSNP rs2505837220, ClinGen allele CA394191282.